The following is an entry in ClinVar:

ClinVar aggregate classification (germline): Uncertain significance. Review status: criteria provided, multiple submitters, no conflicts (2 of 4 stars). 3 submissions from 3 submitters: Uncertain significance (3). Last evaluated 2024-11-11.

Conditions:
Developmental and epileptic encephalopathy, 45 (DEE45). Also called: Epileptic encephalopathy, early infantile, 45. Identifiers: MedGen C4310691, MONDO:0014942, OMIM 617153.

Allele frequency attached by ClinVar (database versions not stated): gnomAD exomes 0.00002 and 0.00001; gnomAD 0.00002 and 0.00001; ExAC 0.00003; 1000 Genomes Project 30x 0.00016; 1000 Genomes Project 0.00020.
gnomAD v4.1: 32 of 1,614,098 alleles (0.002%); highest among the groups gnomAD compares: Middle Eastern, 0.033%; no homozygotes.

Submissions (3):

Labcorp Genetics (formerly Invitae), Labcorp
Classification: Uncertain significance. Last evaluated: 2024-11-11. Review status: criteria provided, single submitter. Criteria: Invitae Variant Classification Sherloc (09022015). Collection method: clinical testing. Allele origin: germline.
Comment: This sequence change replaces serine, which is neutral and polar, with leucine, which is neutral and non-polar, at codon 381 of the GABRB1 protein (p.Ser381Leu). This variant is present in population databases (rs539587921, gnomAD 0.01%). This variant has not been reported in the literature in individuals affected with GABRB1-related conditions. ClinVar contains an entry for this variant (Variation ID: 1377544). Invitae Evidence Modeling of protein sequence and biophysical properties (such as structural, functional, and spatial information, amino acid conservation, physicochemical variation, residue mobility, and thermodynamic stability) indicates that this missense variant is not expected to disrupt GABRB1 protein function with a negative predictive value of 80%. In summary, the available evidence is currently insufficient to determine the role of this variant in disease. Therefore, it has been classified as a Variant of Uncertain Significance.

Genetics and Genomic Medicine Centre, NeuroGen Healthcare, NeuroGen Healthcare
Classification: Uncertain significance for Developmental and epileptic encephalopathy, 45. Last evaluated: 2024-10-24. Review status: criteria provided, single submitter. Criteria: ACMG Guidelines, 2015. Collection method: clinical testing. Allele origin: unknown. Affected: yes.

Revvity Omics, Revvity
Classification: Uncertain significance for Developmental and epileptic encephalopathy, 45. Last evaluated: 2021-01-21. Review status: criteria provided, single submitter. Criteria: ACMG Guidelines, 2015. Collection method: clinical testing. Allele origin: germline.

NM_000812.4(GABRB1):c.1142C>T (p.Ser381Leu)

Gene: GABRB1 (gamma-aminobutyric acid type A receptor subunit beta1; plus strand). Cytogenetic location: 4p12.
Variant type: single nucleotide variant.
Coding change: c.1142C>T on transcript NM_000812.4 (MANE Select); coding-DNA position 1142, C replaced by T.
Protein change: p.Ser381Leu; replaces serine 381 with leucine.
Molecular consequence: missense variant.
Genome position (GRCh38, 1-based): chr4:47,425,735, C>T. VCF-style: chr4-47425735-C-T. GRCh37 (hg19) VCF-style: chr4-47427752-C-T.
Other names: c.1142C>T (NM_000812.3); short protein forms S381L.
Identifiers: ClinVar variation 1377544 (VCV001377544.9), dbSNP rs539587921, ClinGen allele CA2907766.